The following is an entry in ClinVar:

ClinVar aggregate classification (germline): Uncertain significance. Review status: criteria provided, multiple submitters, no conflicts (2 of 4 stars). 2 submissions from 2 submitters: Uncertain significance (2). Last evaluated 2025-12-29.

gnomAD v4.1: 3 of 1,614,040 alleles (0.00019%); highest among the groups gnomAD compares: Non-Finnish European, 0.00025%; no homozygotes.

Submissions (2):

Labcorp Genetics (formerly Invitae), Labcorp
Classification: Uncertain significance. Last evaluated: 2025-12-29. Review status: criteria provided, single submitter. Criteria: Invitae Variant Classification Sherloc (09022015). Collection method: clinical testing. Allele origin: germline.
Comment: This sequence change replaces glutamic acid, which is acidic and polar, with alanine, which is neutral and non-polar, at codon 593 of the COL11A1 protein (p.Glu593Ala). This variant is not present in population databases (gnomAD no frequency). This variant has not been reported in the literature in individuals affected with COL11A1-related conditions. ClinVar contains an entry for this variant (Variation ID: 2574411). Invitae Evidence Modeling of protein sequence and biophysical properties (such as structural, functional, and spatial information, amino acid conservation, physicochemical variation, residue mobility, and thermodynamic stability) indicates that this missense variant is not expected to disrupt COL11A1 protein function with a negative predictive value of 80%. In summary, the available evidence is currently insufficient to determine the role of this variant in disease. Therefore, it has been classified as a Variant of Uncertain Significance.

GeneDx
Classification: Uncertain significance. Last evaluated: 2023-07-20. Review status: criteria provided, single submitter. Criteria: GeneDx Variant Classification Process June 2021. Collection method: clinical testing. Allele origin: germline. Affected: yes.
Comment: Has not been previously published as pathogenic or benign to our knowledge; Not observed at significant frequency in large population cohorts (gnomAD); In silico analysis supports that this missense variant has a deleterious effect on protein structure/function; Also known as p.E65A

NM_001854.4(COL11A1):c.1778A>C (p.Glu593Ala)

Gene: COL11A1 (collagen type XI alpha 1 chain; minus strand). Cytogenetic location: 1p21.1.
Variant type: single nucleotide variant.
Coding change: c.1778A>C on transcript NM_001854.4 (MANE Select); coding-DNA position 1778, A replaced by C.
Protein change: p.Glu593Ala; replaces glutamic acid 593 with alanine.
Molecular consequence: missense variant. On other transcripts: non-coding transcript variant (1).
Genome position (GRCh38, 1-based): chr1:103,006,081, T>G on the plus strand (A>C on the coding strand, the complement: COL11A1 is on the minus strand). VCF-style: chr1-103006081-T-G. GRCh37 (hg19) VCF-style: chr1-103471637-T-G.
Other names: c.1430A>C, p.Glu477Ala (NM_001168249.1, NM_080630.4); c.1661A>C, p.Glu554Ala (NM_001190709.2); c.1814A>C, p.Glu605Ala (NM_080629.3); short protein forms E477A, E554A, E593A, E605A.
Identifiers: ClinVar variation 2574411 (VCV002574411.2), dbSNP rs2525404955, ClinGen allele CA341173856.
Genomic context (GRCh38, chr1:103,006,081, plus strand): 5'-AGTGAACTGACACAGGATGTGAATATAAAAATATGTGAGCTCCTGACCTTTGCCCCAGGT[T>G]CTCCTGGCATTCCTCTTCCTCCATCTGCACCTGGACGACCCTAATAATGCCAACAGCATG-3'
Protein context (NP_001845.3, residues 583-603): GADGGRGMPG[Glu593Ala]PGAKGDRGFD